The following is an entry in ClinVar:

NM_031935.3(HMCN1):c.9586G>T (p.Asp3196Tyr)

Gene: HMCN1 (hemicentin 1; plus strand). Cytogenetic location: 1q31.1.
Variant type: single nucleotide variant.
Coding change: c.9586G>T on transcript NM_031935.3 (MANE Select); coding-DNA position 9586, G replaced by T.
Protein change: p.Asp3196Tyr; replaces aspartic acid 3196 with tyrosine.
Molecular consequence: missense variant.
Genome position (GRCh38, 1-based): chr1:186,088,614, G>T. VCF-style: chr1-186088614-G-T. GRCh37 (hg19) VCF-style: chr1-186057746-G-T.
Other names: short protein forms D3196Y.
Identifiers: ClinVar variation 3717094 (VCV003717094.2).
Genomic context (GRCh38, chr1:186,088,614, plus strand): 5'-TTAAAGTTTAAAGGTTTTTTTATGTTTTATTGTGCTTTGTTTCTACCTCTAGAAAATTCT[G>T]ACTCACTGGAAGTTCGTATTTTGTCTGGAGGTAGCAAACTCCAGATTGCCCGGTCTCAGC-3'
Protein context (NP_114141.2, residues 3186-3206): LKNHKRIENS[Asp3196Tyr]SLEVRILSGG

ClinVar aggregate classification (germline): Uncertain significance (1 of 4 stars; one submission).

gnomAD v4.1: 2 of 1,611,514 alleles (0.00012%); highest among the groups gnomAD compares: Non-Finnish European, 0.00017%; no homozygotes.

Submission:

Labcorp Genetics (formerly Invitae), Labcorp
Classification: Uncertain significance. Last evaluated: 2024-07-02. Review status: criteria provided, single submitter. Criteria: Invitae Variant Classification Sherloc (09022015). Collection method: clinical testing. Allele origin: germline.
Comment: This sequence change replaces aspartic acid, which is acidic and polar, with tyrosine, which is neutral and polar, at codon 3196 of the HMCN1 protein (p.Asp3196Tyr). This variant is not present in population databases (gnomAD no frequency). This variant has not been reported in the literature in individuals affected with HMCN1-related conditions. An algorithm developed to predict the effect of missense changes on protein structure and function (PolyPhen-2) suggests that this variant is likely to be disruptive. In summary, the available evidence is currently insufficient to determine the role of this variant in disease. Therefore, it has been classified as a Variant of Uncertain Significance.